The following is an entry in ClinVar:

NM_002769.5(PRSS1):c.682G>C (p.Val228Leu)

Genes: PRSS1 (serine protease 1; plus strand), TRB (T cell receptor beta locus; plus strand). Cytogenetic location: 7q34.
Variant type: single nucleotide variant.
Coding change: c.682G>C on transcript NM_002769.5 (MANE Select); coding-DNA position 682, G replaced by C.
Protein change: p.Val228Leu; replaces valine 228 with leucine.
Molecular consequence: missense variant. On other transcripts: non-coding transcript variant (5).
Genome position (GRCh38, 1-based): chr7:142,752,958, G>C. VCF-style: chr7-142752958-G-C. GRCh37 (hg19) VCF-style: chr7-142460809-G-C.
Other names: short protein forms V228L.
Identifiers: ClinVar variation 3310634 (VCV003310634.1).

ClinVar aggregate classification (germline): Uncertain significance (1 of 4 stars; one submission).

Conditions:
Hereditary pancreatitis (PCTT). Also called: PRSS1-Related Hereditary Pancreatitis; Hereditary chronic pancreatitis. Identifiers: Orphanet 676, MedGen C0238339, MONDO:0008185, OMIM 167800.

Submission:

Ambry Genetics
Classification: Uncertain significance for Hereditary pancreatitis. Last evaluated: 2024-04-24. Review status: criteria provided, single submitter. Criteria: Ambry Variant Classification Scheme 2023. Collection method: clinical testing. Allele origin: germline.
Comment: The p.V228L variant (also known as c.682G>C), located in coding exon 5 of the PRSS1 gene, results from a G to C substitution at nucleotide position 682. The valine at codon 228 is replaced by leucine, an amino acid with highly similar properties. This amino acid position is conserved. In addition, this alteration is predicted to be deleterious by in silico analysis. Based on the available evidence, the clinical significance of this variant remains unclear.